The following is an entry in ClinVar:

NM_004284.6(CHD1L):c.2098G>A (p.Gly700Arg)

Gene: CHD1L (chromodomain helicase DNA binding protein 1 like; plus strand). Cytogenetic location: 1q21.1.
Variant type: single nucleotide variant.
Coding change: c.2098G>A on transcript NM_004284.6 (MANE Select); coding-DNA position 2098, G replaced by A.
Protein change: p.Gly700Arg; replaces glycine 700 with arginine.
Molecular consequence: missense variant. On other transcripts: non-coding transcript variant (16).
Genome position (GRCh38, 1-based): chr1:147,286,377, G>A. VCF-style: chr1-147286377-G-A. GRCh37 (hg19) VCF-style: chr1-146758054-G-A.
Other names: c.1255G>A, p.Gly419Arg (NM_001348459.2, NM_001348460.2, NM_001348461.2 and 9 more transcripts); c.1759G>A, p.Gly587Arg (NM_024568.4, NM_001348453.2); c.1798G>A, p.Gly600Arg (NM_001256336.3); c.1486G>A, p.Gly496Arg (NM_001256338.3); c.1882G>A, p.Gly628Arg (NM_001348451.2, NM_001348452.2); c.1642G>A, p.Gly548Arg (NM_001348454.2); c.1609G>A, p.Gly537Arg (NM_001348455.2); short protein forms G419R, G496R, G537R, G548R, G587R, G600R, G628R, G700R.
Identifiers: ClinVar variation 1565761 (VCV001565761.30), dbSNP rs139791996, ClinGen allele CA501246.

ClinVar aggregate classification (germline): Benign/Likely benign. Review status: criteria provided, multiple submitters, no conflicts (2 of 4 stars). 3 submissions from 3 submitters: Benign (2); Likely benign (1). Last evaluated 2025-10-01.

Allele frequency attached by ClinVar (database versions not stated): 1000 Genomes Project 30x 0.00187; 1000 Genomes Project 0.00200; gnomAD 0.00299 and 0.00300; TOPMed 0.00309; ESP Exome Variant Server 0.00369; gnomAD exomes 0.00406 and 0.00435; ExAC 0.00436.
gnomAD v4.1: 6,766 of 1,614,134 alleles (0.42%); highest among the groups gnomAD compares: South Asian, 0.56%; 20 homozygotes.

Submissions (3):

CeGaT Center for Human Genetics Tuebingen
Classification: Likely benign. Last evaluated: 2025-10-01. Review status: criteria provided, single submitter. Criteria: CeGaT Center For Human Genetics Tuebingen Variant Classification Criteria Version 2. Collection method: clinical testing. Allele origin: germline. Affected: yes. Observed: 3 variant alleles.
Comment: CHD1L: BP4, BS2

Labcorp Genetics (formerly Invitae), Labcorp
Classification: Benign. Last evaluated: 2024-01-18. Review status: criteria provided, single submitter. Criteria: Invitae Variant Classification Sherloc (09022015). Collection method: clinical testing. Allele origin: germline.

Breakthrough Genomics
Classification: Benign. Review status: criteria provided, single submitter. Criteria: ACMG Guidelines, 2015. Collection method: not provided. Allele origin: germline. Inheritance: Unknown mechanism. Affected: yes.